The following is an entry in ClinVar:

NM_004268.5(MED17):c.788_789dup (p.Gln264fs)

Gene: MED17 (mediator complex subunit 17; plus strand). Cytogenetic location: 11q21.
Variant type: Duplication.
Coding change: c.788_789dup on transcript NM_004268.5 (MANE Select); coding-DNA positions 788 to 789, 2 bases duplicated (AA; older notation c.788_789dupAA).
Protein change: p.Gln264fs; shifts the reading frame from glutamine 264.
Molecular consequence: frameshift variant.
Genome position (GRCh38, 1-based): chr11:93,793,964-93,793,965, AA duplicated; duplicating any 2 consecutive bases within chr11:93,793,961-93,793,965 gives the same sequence; the c. name uses the placement nearest the transcript's 3' end. VCF-style (leftmost placement, unchanged base first): chr11-93793960-C-CAA. GRCh37 (hg19) VCF-style: chr11-93527126-C-CAA.
Other names: short protein forms Q264fs.
Identifiers: ClinVar variation 1396500 (VCV001396500.6), dbSNP rs1279022230, ClinGen allele CA601193374.

ClinVar aggregate classification (germline): Pathogenic (1 of 4 stars; one submission).

Submission:

Labcorp Genetics (formerly Invitae), Labcorp
Classification: Pathogenic. Last evaluated: 2021-08-02. Review status: criteria provided, single submitter. Criteria: Invitae Variant Classification Sherloc (09022015). Collection method: clinical testing. Allele origin: germline.
Comment: For these reasons, this variant has been classified as Pathogenic. This variant has not been reported in the literature in individuals affected with MED17-related conditions. This variant is not present in population databases (ExAC no frequency). This sequence change creates a premature translational stop signal (p.Gln264Asnfs*6) in the MED17 gene. It is expected to result in an absent or disrupted protein product. Loss-of-function variants in MED17 are known to be pathogenic (PMID: 20950787, 26004231, 30345598).

Literature cited by the submitters: PubMed 20950787; PubMed 26004231; PubMed 30345598.